The following is an entry in ClinVar:

NM_032119.4(ADGRV1):c.5568C>T (p.Ala1856=)

Gene: ADGRV1 (adhesion G protein-coupled receptor V1; plus strand). Cytogenetic location: 5q14.3.
Variant type: single nucleotide variant.
Coding change: c.5568C>T on transcript NM_032119.4 (MANE Select); coding-DNA position 5568, C replaced by T.
Protein change: p.Ala1856=; no amino-acid change (alanine 1856 retained).
Molecular consequence: synonymous variant. On other transcripts: non-coding transcript variant (1).
Genome position (GRCh38, 1-based): chr5:90,681,358, C>T. VCF-style: chr5-90681358-C-T. GRCh37 (hg19) VCF-style: chr5-89977175-C-T.
Identifiers: ClinVar variation 179297 (VCV000179297.4), dbSNP rs727504772, ClinGen allele CA184147.
Genomic context (GRCh38, chr5:90,681,358, plus strand): 5'-GGAACTTGTTCATGCAGCCAGTCTAGGAGTGGCTTCCCAAATTCTAGTGACAATTGCAGC[C>T]TCTGACCACGCTCATGGCGTATTTGAATTTAGCCCTGAGTCACTCTTTGTCAGTGGAACT-3'
Protein context (NP_115495.3, residues 1846-1866): VASQILVTIA[Ala1856=]SDHAHGVFEF

ClinVar aggregate classification (germline): Likely benign (1 of 4 stars; one submission).

gnomAD v4.1: 1 of 1,613,866 alleles (0.000062%); highest among the groups gnomAD compares: Non-Finnish European, 0.000085%; no homozygotes.

Submission:

Laboratory for Molecular Medicine, Mass General Brigham Personalized Medicine
Classification: Likely benign. Last evaluated: 2013-10-04. Review status: criteria provided, single submitter. Criteria: LMM Criteria. Collection method: clinical testing. Allele origin: germline. Observed: 1 variant allele.
Comment: Ala1856Ala in Exon 27 of GPR98: This variant is not expected to have clinical si gnificance because it does not alter an amino acid residue and is not located wi thin the splice consensus sequence.